The following is an entry in ClinVar:

ClinVar aggregate classification (germline): Likely benign (1 of 4 stars; one submission).

Submission:

GeneDx
Classification: Likely benign. Last evaluated: 2018-05-29. Review status: criteria provided, single submitter. Criteria: GeneDx Variant Classification (06012015). Collection method: clinical testing. Allele origin: germline. Affected: yes.
Comment: This variant is considered likely benign or benign based on one or more of the following criteria: it is a conservative change, it occurs at a poorly conserved position in the protein, it is predicted to be benign by multiple in silico algorithms, and/or has population frequency not consistent with disease.

NM_001378454.1(ALMS1):c.765-36TTAT[3]

Gene: ALMS1 (ALMS1 centrosome and basal body associated protein; plus strand). Cytogenetic location: 2p13.1.
Variant type: Microsatellite.
Coding change: c.765-36TTAT[3] on transcript NM_001378454.1 (MANE Select); three copies in a row of the 4-base unit TTAT starting at c.765-36.
Molecular consequence: intron variant.
Genome position: GRCh38 VCF-style: chr2-73424393-GTTAT-G. GRCh37 (hg19) VCF-style: chr2-73651521-GTTAT-G.
Other names: c.765-36TTAT[3] (NM_015120.4); c.768-22_768-19delATTT (NM_015120.4).
Identifiers: ClinVar variation 679410 (VCV000679410.1), dbSNP rs532044714, ClinGen allele CA1712968.